The following is an entry in ClinVar:

ClinVar aggregate classification (germline): Uncertain significance. Review status: criteria provided, multiple submitters, no conflicts (2 of 4 stars). 4 submissions from 4 submitters: Uncertain significance (4). Last evaluated 2025-03-27.

Conditions:
Inborn genetic diseases. Identifiers: MedGen C0950123, MeSH D030342.

Allele frequency attached by ClinVar (database versions not stated): ExAC 0.00002; gnomAD exomes 0.00002; TOPMed 0.00003; gnomAD 0.00005; ESP Exome Variant Server 0.00008; 1000 Genomes Project 30x 0.00016.
gnomAD v4.1: 40 of 1,613,296 alleles (0.0025%); highest among the groups gnomAD compares: Non-Finnish European, 0.0033%; no homozygotes.

Submissions (4):

Labcorp Genetics (formerly Invitae), Labcorp
Classification: Uncertain significance. Last evaluated: 2025-03-27. Review status: criteria provided, single submitter. Criteria: Invitae Variant Classification Sherloc (09022015). Collection method: clinical testing. Allele origin: germline.
Comment: This sequence change replaces threonine, which is neutral and polar, with methionine, which is neutral and non-polar, at codon 183 of the GNAT1 protein (p.Thr183Met). This variant is present in population databases (rs375795574, gnomAD 0.003%). This variant has not been reported in the literature in individuals affected with GNAT1-related conditions. ClinVar contains an entry for this variant (Variation ID: 1914198). Invitae Evidence Modeling of protein sequence and biophysical properties (such as structural, functional, and spatial information, amino acid conservation, physicochemical variation, residue mobility, and thermodynamic stability) indicates that this missense variant is not expected to disrupt GNAT1 protein function with a negative predictive value of 80%. In summary, the available evidence is currently insufficient to determine the role of this variant in disease. Therefore, it has been classified as a Variant of Uncertain Significance.

Ambry Genetics
Classification: Uncertain significance for Inborn genetic diseases. Last evaluated: 2025-03-26. Review status: criteria provided, single submitter. Criteria: Ambry Variant Classification Scheme 2023. Collection method: clinical testing. Allele origin: germline.

Blueprint Genetics
Classification: Uncertain significance. Last evaluated: 2024-10-11. Review status: criteria provided, single submitter. Criteria: ACMG Guidelines, 2015. Collection method: clinical testing. Allele origin: germline.

CeGaT Center for Human Genetics Tuebingen
Classification: Uncertain significance. Last evaluated: 2024-07-01. Review status: criteria provided, single submitter. Criteria: CeGaT Center For Human Genetics Tuebingen Variant Classification Criteria Version 2. Collection method: clinical testing. Allele origin: germline. Affected: yes. Observed: 1 variant allele.
Comment: GNAT1: PP3

NM_144499.3(GNAT1):c.548C>T (p.Thr183Met)

Gene: GNAT1 (G protein subunit alpha transducin 1; plus strand). Cytogenetic location: 3p21.31.
Variant type: single nucleotide variant.
Coding change: c.548C>T on transcript NM_144499.3 (MANE Select); coding-DNA position 548, C replaced by T.
Protein change: p.Thr183Met; replaces threonine 183 with methionine.
Molecular consequence: missense variant.
Genome position (GRCh38, 1-based): chr3:50,193,851, C>T. VCF-style: chr3-50193851-C-T. GRCh37 (hg19) VCF-style: chr3-50231284-C-T.
Other names: c.548C>T, p.Thr183Met (NM_000172.4); c.548C>T (NM_144499.2); short protein forms T183M.
Identifiers: ClinVar variation 1914198 (VCV001914198.23), dbSNP rs375795574, ClinGen allele CA2412631.